The following is an entry in ClinVar:

ClinVar aggregate classification (germline): Benign/Likely benign. Review status: criteria provided, multiple submitters, no conflicts (2 of 4 stars). 5 submissions from 5 submitters: Benign (1); Likely benign (4). Last evaluated 2025-11-24.

Conditions:
Hereditary cancer-predisposing syndrome. Also called: Tumor predisposition; Hereditary Cancer Syndrome; Hereditary neoplastic syndrome; Neoplastic Syndromes, Hereditary. Identifiers: Orphanet 140162, MedGen C0027672, MeSH D009386, MONDO:0015356.
Peutz-Jeghers syndrome (PJS). Also called: POLYPOSIS, HAMARTOMATOUS INTESTINAL; POLYPS-AND-SPOTS SYNDROME; Peutz-Jeghers polyposis; Periorificial lentiginosis syndrome. Identifiers: Orphanet 2869, MedGen C0031269, MeSH D010580, MONDO:0008280, OMIM 175200.

gnomAD v4.1: 6 of 1,547,018 alleles (0.00039%); highest among the groups gnomAD compares: East Asian, 0.0024%; no homozygotes.

Submissions (5):

Labcorp Genetics (formerly Invitae), Labcorp
Classification: Likely benign for Peutz-Jeghers syndrome. Last evaluated: 2025-11-24. Review status: criteria provided, single submitter. Criteria: Invitae Variant Classification Sherloc (09022015). Collection method: clinical testing. Allele origin: germline.

Myriad Genetics, Inc.
Classification: Benign for Peutz-Jeghers syndrome. Last evaluated: 2025-03-31. Review status: criteria provided, single submitter. Criteria: Myriad Autosomal Dominant, Autosomal Recessive and X-Linked Classification Criteria (2023). Collection method: clinical testing. Allele origin: unknown.
Comment: This variant is considered benign. This variant is a silent/synonymous amino acid change and it is not expected to impact splicing.

Color Diagnostics, LLC DBA Color Health
Classification: Likely benign for Hereditary cancer-predisposing syndrome. Last evaluated: 2021-08-30. Review status: criteria provided, single submitter. Criteria: ACMG Guidelines, 2015. Collection method: clinical testing. Allele origin: germline.

Ambry Genetics
Classification: Likely benign for Hereditary cancer-predisposing syndrome. Last evaluated: 2020-10-11. Review status: criteria provided, single submitter. Criteria: Ambry Variant Classification Scheme 2023. Collection method: clinical testing. Allele origin: germline.

Breakthrough Genomics
Classification: Likely benign. Review status: criteria provided, single submitter. Criteria: ACMG Guidelines, 2015. Collection method: not provided. Allele origin: germline. Inheritance: Autosomal dominant inheritance. Affected: yes.

NM_000455.5(STK11):c.1276C>A (p.Arg426=)

Gene: STK11 (serine/threonine kinase 11; plus strand). Cytogenetic location: 19p13.3.
Variant type: single nucleotide variant.
Coding change: c.1276C>A on transcript NM_000455.5 (MANE Select); coding-DNA position 1276, C replaced by A.
Protein change: p.Arg426=; no amino-acid change (arginine 426 retained).
Molecular consequence: synonymous variant.
Genome position (GRCh38, 1-based): chr19:1,226,621, C>A. VCF-style: chr19-1226621-C-A. GRCh37 (hg19) VCF-style: chr19-1226620-C-A.
Identifiers: ClinVar variation 184627 (VCV000184627.18), dbSNP rs587782687, ClinGen allele CA022582.